The following is an entry in ClinVar:

NM_006946.4(SPTBN2):c.5809C>T (p.Arg1937Trp)

Gene: SPTBN2 (spectrin beta, non-erythrocytic 2; minus strand). Cytogenetic location: 11q13.2.
Variant type: single nucleotide variant.
Coding change: c.5809C>T on transcript NM_006946.4 (MANE Select); coding-DNA position 5809, C replaced by T.
Protein change: p.Arg1937Trp; replaces arginine 1937 with tryptophan.
Molecular consequence: missense variant.
Genome position (GRCh38, 1-based): chr11:66,690,040, G>A on the plus strand (C>T on the coding strand, the complement: SPTBN2 is on the minus strand). VCF-style: chr11-66690040-G-A. GRCh37 (hg19) VCF-style: chr11-66457511-G-A.
Other names: c.5809C>T (NM_006946.2); c.5830C>T, p.Arg1944Trp (NM_001411025.1); short protein forms R1944W, R1937W.
Identifiers: ClinVar variation 2086887 (VCV002086887.5), dbSNP rs764114440, ClinGen allele CA6128156.

ClinVar aggregate classification (germline): Uncertain significance. Review status: criteria provided, multiple submitters, no conflicts (2 of 4 stars). 2 submissions from 2 submitters: Uncertain significance (2). Last evaluated 2025-06-19.

Conditions:
Inborn genetic diseases. Identifiers: MedGen C0950123, MeSH D030342.

Allele frequency attached by ClinVar (database versions not stated): ExAC 0.00001.
gnomAD v4.1: 3 of 1,614,208 alleles (0.00019%); highest among the groups gnomAD compares: Non-Finnish European, 0.00017%; no homozygotes.

Submissions (2):

Ambry Genetics
Classification: Uncertain significance for Inborn genetic diseases. Last evaluated: 2025-06-19. Review status: criteria provided, single submitter. Criteria: Ambry Variant Classification Scheme 2023. Collection method: clinical testing. Allele origin: germline.

Labcorp Genetics (formerly Invitae), Labcorp
Classification: Uncertain significance. Last evaluated: 2022-01-17. Review status: criteria provided, single submitter. Criteria: Invitae Variant Classification Sherloc (09022015). Collection method: clinical testing. Allele origin: germline.
Comment: In summary, the available evidence is currently insufficient to determine the role of this variant in disease. Therefore, it has been classified as a Variant of Uncertain Significance. Algorithms developed to predict the effect of missense changes on protein structure and function (SIFT, PolyPhen-2, Align-GVGD) all suggest that this variant is likely to be disruptive. This variant has not been reported in the literature in individuals affected with SPTBN2-related conditions. This variant is present in population databases (rs764114440, gnomAD 0.0009%). This sequence change replaces arginine, which is basic and polar, with tryptophan, which is neutral and slightly polar, at codon 1937 of the SPTBN2 protein (p.Arg1937Trp).